The following is an entry in ClinVar:

NM_003640.5(ELP1):c.1792G>A (p.Gly598Arg)

Gene: ELP1 (elongator acetyltransferase complex subunit 1; minus strand). Cytogenetic location: 9q31.3.
Variant type: single nucleotide variant.
Coding change: c.1792G>A on transcript NM_003640.5 (MANE Select); coding-DNA position 1792, G replaced by A.
Protein change: p.Gly598Arg; replaces glycine 598 with arginine.
Molecular consequence: missense variant.
Genome position (GRCh38, 1-based): chr9:108,902,901, C>T on the plus strand (G>A on the coding strand, the complement: ELP1 is on the minus strand). VCF-style: chr9-108902901-C-T. GRCh37 (hg19) VCF-style: chr9-111665181-C-T.
Other names: c.1450G>A, p.Gly484Arg (NM_001318360.2); c.745G>A, p.Gly249Arg (NM_001330749.2); c.1792G>A (LRG_251t1); short protein forms G598R, G484R, G249R.
Identifiers: ClinVar variation 364571 (VCV000364571.14), dbSNP rs886063347, ClinGen allele CA10628779.
Genomic context (GRCh38, chr9:108,902,901, plus strand): 5'-CTTCTCCAATCATGGCCAATTCGGTCTGGGTGCATGGATAAGGAAACCGAACAGGAAATC[C>T]ACCAGAGTTCTTCCATGGTTTAATAGCCAGAGAAGGTGACTCTGCAAGATTCACAGATCT-3'
Protein context (NP_003631.2, residues 588-608): LAIKPWKNSG[Gly598Arg]FPVRFPYPCT

ClinVar aggregate classification (germline): Uncertain significance. Review status: criteria provided, multiple submitters, no conflicts (2 of 4 stars). 5 submissions from 5 submitters: Uncertain significance (4). 1 of the submissions does not count toward it. Last evaluated 2024-06-17.

Conditions:
Medulloblastoma (MDB). Also called: Medulloblastoma, somatic; MEDULLOBLASTOMA PREDISPOSITION SYNDROME. Identifiers: Orphanet 616, MedGen C0025149, MeSH D008527, MONDO:0007959, OMIM 155255, HP:0002885.
Familial dysautonomia. Also called: HSAN III; FD. Identifiers: Orphanet 1764, MedGen C0013364, MONDO:0009131, OMIM 223900. Disease mechanism: loss of function.

Allele frequency attached by ClinVar (database versions not stated): gnomAD exomes below 0.00001 and 0.00001; gnomAD 0.00001; TOPMed 0.00002.
gnomAD v4.1: 4 of 1,613,880 alleles (0.00025%); highest among the groups gnomAD compares: Non-Finnish European, 0.00034%; no homozygotes.

Submissions (5):

Fulgent Genetics
Classification: Uncertain significance for Medulloblastoma; Familial dysautonomia. Last evaluated: 2024-06-17. Review status: criteria provided, single submitter. Criteria: ACMG Guidelines, 2015. Collection method: clinical testing. Allele origin: germline.

Ambry Genetics
Classification: Uncertain significance. Last evaluated: 2022-09-05. Review status: criteria provided, single submitter. Criteria: Ambry Variant Classification Scheme 2023. Collection method: clinical testing. Allele origin: germline.
Comment: The p.G598R variant (also known as c.1792G>A), located in coding exon 15 of the IKBKAP gene, results from a G to A substitution at nucleotide position 1792. The glycine at codon 598 is replaced by arginine, an amino acid with dissimilar properties. This amino acid position is conserved. In addition, the in silico prediction for this alteration is inconclusive. Since supporting evidence is limited at this time, the clinical significance of this alteration remains unclear.

Labcorp Genetics (formerly Invitae), Labcorp
Classification: Uncertain significance. Last evaluated: 2021-08-27. Review status: criteria provided, single submitter. Criteria: Invitae Variant Classification Sherloc (09022015). Collection method: clinical testing. Allele origin: germline.

Illumina Laboratory Services, Illumina
Classification: Uncertain significance for Familial dysautonomia. Last evaluated: 2018-01-12. Review status: criteria provided, single submitter. Criteria: ICSL Variant Classification Criteria 13 December 2019. Collection method: clinical testing. Allele origin: germline.

Natera, Inc.
Classification: Uncertain significance for Familial dysautonomia. Last evaluated: 2020-09-16. Review status: no assertion criteria provided. Collection method: clinical testing. Allele origin: germline. Not counted in ClinVar's aggregate classification.